The following is an entry in ClinVar:

ClinVar aggregate classification (germline): Uncertain significance. Review status: criteria provided, multiple submitters, no conflicts (2 of 4 stars). 2 submissions from 2 submitters: Uncertain significance (2). Last evaluated 2025-05-19.

Conditions:
Inborn genetic diseases. Identifiers: MedGen C0950123, MeSH D030342.
PCNT-related disorder. Also called: PCNT-related condition.

gnomAD v4.1: 6 of 1,614,216 alleles (0.00037%); highest among the groups gnomAD compares: South Asian, 0.0033%; no homozygotes.

Submissions (2):

Ambry Genetics
Classification: Uncertain significance for Inborn genetic diseases. Last evaluated: 2025-05-19. Review status: criteria provided, single submitter. Criteria: Ambry Variant Classification Scheme 2023. Collection method: clinical testing. Allele origin: germline.

PreventionGenetics, part of Exact Sciences
Classification: Uncertain significance for PCNT-related condition. Last evaluated: 2024-10-22. Review status: criteria provided, single submitter. Criteria: ACMG Guidelines, 2015. Collection method: clinical testing. Allele origin: germline.
Comment: The PCNT c.2341G>A variant is predicted to result in the amino acid substitution p.Glu781Lys. To our knowledge, this variant has not been reported in the literature. This variant is reported in 0.0054% of alleles in individuals of East Asian descent in gnomAD. At this time, the clinical significance of this variant is uncertain due to the absence of conclusive functional and genetic evidence.

NM_006031.6(PCNT):c.2341G>A (p.Glu781Lys)

Gene: PCNT (pericentrin; plus strand). Cytogenetic location: 21q22.3.
Variant type: single nucleotide variant.
Coding change: c.2341G>A on transcript NM_006031.6 (MANE Select); coding-DNA position 2341, G replaced by A.
Protein change: p.Glu781Lys; replaces glutamic acid 781 with lysine.
Molecular consequence: missense variant.
Genome position (GRCh38, 1-based): chr21:46,363,666, G>A. VCF-style: chr21-46363666-G-A. GRCh37 (hg19) VCF-style: chr21-47783581-G-A.
Other names: c.1987G>A, p.Glu663Lys (NM_001315529.2); short protein forms E663K, E781K.
Identifiers: ClinVar variation 3929704 (VCV003929704.2).